The following is an entry in ClinVar:

NM_001122681.2(SH3BP2):c.1A>G (p.Met1Val)

Gene: SH3BP2 (SH3 domain binding protein 2; plus strand). Cytogenetic location: 4p16.3.
Variant type: single nucleotide variant.
Coding change: c.1A>G on transcript NM_001122681.2 (MANE Select); coding-DNA position 1, A replaced by G.
Protein change: p.Met1Val; changes the start codon (methionine 1).
Molecular consequence: missense variant, initiator codon variant.
Genome position (GRCh38, 1-based): chr4:2,820,618, A>G. VCF-style: chr4-2820618-A-G. GRCh37 (hg19) VCF-style: chr4-2822345-A-G.
Other names: c.85A>G, p.Met29Val (NM_001145855.2); c.172A>G, p.Met58Val (NM_001145856.2); c.1A>G, p.Met1Val (NM_003023.4); short protein forms M1V, M29V, M58V.
Identifiers: ClinVar variation 2414440 (VCV002414440.6), dbSNP rs1577354982, ClinGen allele CA356052786.

ClinVar aggregate classification (germline): Uncertain significance (1 of 4 stars; one submission).

Conditions:
Fibrous dysplasia of jaw (CRBM). Also called: Cherubism. Identifiers: Orphanet 184, MedGen C0008029, MONDO:0007315, OMIM 118400.

Submission:

Labcorp Genetics (formerly Invitae), Labcorp
Classification: Uncertain significance for Fibrous dysplasia of jaw. Last evaluated: 2024-04-01. Review status: criteria provided, single submitter. Criteria: Invitae Variant Classification Sherloc (09022015). Collection method: clinical testing. Allele origin: germline.
Comment: This sequence change affects the initiator methionine of the SH3BP2 mRNA. The next in-frame methionine is located at codon 6. This variant is not present in population databases (gnomAD no frequency). This variant has not been reported in the literature in individuals affected with SH3BP2-related conditions. ClinVar contains an entry for this variant (Variation ID: 2414440). Experimental studies and prediction algorithms are not available or were not evaluated, and the functional significance of this variant is currently unknown. In summary, the available evidence is currently insufficient to determine the role of this variant in disease. Therefore, it has been classified as a Variant of Uncertain Significance.